The following is an entry in ClinVar:

NM_000179.3(MSH6):c.2156C>T (p.Thr719Ile)

Gene: MSH6 (mutS homolog 6; plus strand). Cytogenetic location: 2p16.3.
Variant type: single nucleotide variant.
Coding change: c.2156C>T on transcript NM_000179.3 (MANE Select); coding-DNA position 2156, C replaced by T.
Protein change: p.Thr719Ile; replaces threonine 719 with isoleucine.
Molecular consequence: missense variant.
Genome position (GRCh38, 1-based): chr2:47,800,139, C>T. VCF-style: chr2-47800139-C-T. GRCh37 (hg19) VCF-style: chr2-48027278-C-T.
Other names: c.1766C>T, p.Thr589Ile (NM_001281492.2); c.1250C>T, p.Thr417Ile (NM_001281493.2, NM_001281494.2); short protein forms T719I, T417I, T589I.
Identifiers: ClinVar variation 220238 (VCV000220238.32), dbSNP rs373418713, ClinGen allele CA068506.

ClinVar aggregate classification (germline): Conflicting classifications of pathogenicity. Review status: criteria provided, conflicting classifications (1 of 4 stars). 10 submissions from 10 submitters: Uncertain significance (8); Likely benign (2). Last evaluated 2025-12-09.

Conditions:
Hereditary nonpolyposis colorectal neoplasms. Identifiers: MedGen C0009405, MeSH D003123.
Hereditary cancer-predisposing syndrome. Also called: Hereditary neoplastic syndrome; Tumor predisposition; Hereditary Cancer Syndrome; Neoplastic Syndromes, Hereditary. Identifiers: Orphanet 140162, MedGen C0027672, MeSH D009386, MONDO:0015356.
Lynch syndrome. Identifiers: Orphanet 144, MedGen C4552100, MONDO:0005835. Disease mechanism: loss of function.
Lynch syndrome 5 (LYNCH5). Also called: Colorectal cancer, hereditary nonpolyposis, type 5; Hereditary non-polyposis colorectal cancer, type 5. Identifiers: Orphanet 144, MedGen C1833477, MONDO:0013710, OMIM 614350. Disease mechanism: loss of function.
Endometrial carcinoma. Also called: Endometrial carcinoma, somatic. Identifiers: MedGen C0476089, MONDO:0002447, OMIM 608089, HP:0012114.

Allele frequency attached by ClinVar (database versions not stated): ExAC 0.00001; TOPMed 0.00002; gnomAD 0.00003; ESP Exome Variant Server 0.00015.
gnomAD v4.1: 8 of 1,614,002 alleles (0.0005%); highest among the groups gnomAD compares: Non-Finnish European, 0.00068%; no homozygotes.

Submissions (10):

Labcorp Genetics (formerly Invitae), Labcorp
Classification: Likely benign for Hereditary nonpolyposis colorectal neoplasms. Last evaluated: 2025-12-09. Review status: criteria provided, single submitter. Criteria: Invitae Variant Classification Sherloc (09022015). Collection method: clinical testing. Allele origin: germline.

Color Diagnostics, LLC DBA Color Health
Classification: Likely benign for Hereditary cancer-predisposing syndrome. Last evaluated: 2024-09-23. Review status: criteria provided, single submitter. Criteria: ACMG Guidelines, 2015. Collection method: clinical testing. Allele origin: germline.

Baylor Genetics
Classification: Uncertain significance for Endometrial carcinoma. Last evaluated: 2024-03-27. Review status: criteria provided, single submitter. Criteria: ACMG Guidelines, 2015. Collection method: clinical testing. Allele origin: unknown.

Women's Health and Genetics/Laboratory Corporation of America, LabCorp
Classification: Uncertain significance. Last evaluated: 2024-02-06. Review status: criteria provided, single submitter. Criteria: LabCorp Variant Classification Summary - May 2015. Collection method: clinical testing. Allele origin: germline.
Comment: Variant summary: MSH6 c.2156C>T (p.Thr719Ile) results in a non-conservative amino acid change in the encoded protein sequence. Three of five in-silico tools predict a benign effect of the variant on protein function. The variant allele was found at a frequency of 4e-06 in 250934 control chromosomes (gnomAD). The available data on variant occurrences in the general population are insufficient to allow any conclusion about variant significance. c.2156C>T has been reported in the literature in an individual affected with breast cancer who underwent targeted sequencing of DNA mismatch repair genes (Nikitin_2020). The variant was also reported in a study where it was absent from a cohort of individuals with colorectal cancer or polyps, but was found in two ethnically-matched controls from the NHLBI GO Exome Sequencing Project dataset (Rosenthal_2018). These reports do not provide unequivocal conclusions about association of the variant with Lynch Syndrome. To our knowledge, no experimental evidence demonstrating an impact on protein function has been reported. The following publications have been ascertained in the context of this evaluation (PMID: 32547938, 30267214). ClinVar contains an entry for this variant (Variation ID: 220238). Based on the evidence outlined above, the variant was classified as uncertain significance.

Ambry Genetics
Classification: Uncertain significance for Hereditary cancer-predisposing syndrome. Last evaluated: 2024-01-10. Review status: criteria provided, single submitter. Criteria: Ambry Variant Classification Scheme 2023. Collection method: clinical testing. Allele origin: germline.
Comment: The p.T719I variant (also known as c.2156C>T), located in coding exon 4 of the MSH6 gene, results from a C to T substitution at nucleotide position 2156. The threonine at codon 719 is replaced by isoleucine, an amino acid with similar properties. In one study, this variant was detected in 0/165 colorectal cancer and/or polyposis patients and was identified in 1/2512 control individuals from a healthy population database (Rosenthal EA et al. Hum Genet, 2018 Oct;137:795-806). This alteration was also identified in an individual diagnosed with breast cancer (Nikitin AG et al. Front Oncol, 2020 May;10:666). This amino acid position is poorly conserved in available vertebrate species. In addition, this alteration is predicted to be tolerated by in silico analysis. Since supporting evidence is limited at this time, the clinical significance of this alteration remains unclear.

All of Us Research Program, National Institutes of Health
Classification: Uncertain significance for Lynch syndrome. Last evaluated: 2023-12-01. Review status: criteria provided, single submitter. Criteria: ACMG Guidelines, 2015. Collection method: clinical testing. Allele origin: germline. Inheritance: Autosomal dominant inheritance. Observed: 4 variant alleles, 4 heterozygotes.
Comment: This missense variant replaces threonine with isoleucine at codon 719 of the MSH6 protein. Computational prediction suggests that this variant may not impact protein structure and function (internally defined REVEL score threshold <= 0.5, PMID: 27666373). To our knowledge, functional studies have not been reported for this variant. This variant has been reported in an individual affected with breast cancer (PMID: 32547938). This variant has been identified in 2/282334 chromosomes in the general population by the Genome Aggregation Database (gnomAD). The available evidence is insufficient to determine the role of this variant in disease conclusively. Therefore, this variant is classified as a Variant of Uncertain Significance.

This study involves interpretation of variants in research participants for the purpose of population health screening. Participant phenotype was not available at the time of variant classification. Additional details can be found in publication PMID: 35346344, PMCID: PMC8962531

Department of Pathology and Laboratory Medicine, Sinai Health System
Classification: Uncertain significance for Lynch syndrome. Last evaluated: 2022-12-20. Review status: criteria provided, single submitter. Criteria: ACMG Guidelines, 2015. Collection method: clinical testing. Allele origin: germline. Affected: yes.

St. Jude Molecular Pathology, St. Jude Children's Research Hospital
Classification: Uncertain significance for Lynch syndrome 5. Last evaluated: 2022-05-24. Review status: criteria provided, single submitter. Criteria: St. Jude Assertion Criteria 2020. Collection method: clinical testing. Allele origin: germline.
Comment: The MSH6 c.2156C>T (p.Thr719Ile) missense change has a maximum subpopulation frequency of 0.0016% in gnomAD v2.1.1 (PM2_supporting). It is predicted to have a benign effect on protein function (BP4), but to our knowledge this prediction has not been confirmed by functional studies. This variant has been reported in an individual with breast cancer (PMID: 32547938). To our knowledge, this variant has not been reported in individuals with Lynch syndrome or CMMRD. In summary, this variant meets criteria to be classified as of uncertain significance based on the ACMG/AMP criteria: PM2_supporting, BP4.

GeneDx
Classification: Uncertain significance. Last evaluated: 2021-08-10. Review status: criteria provided, single submitter. Criteria: GeneDx Variant Classification Process June 2021. Collection method: clinical testing. Allele origin: germline. Affected: yes.
Comment: Not observed at a significant frequency in large population cohorts (Lek 2016) In silico analysis supports that this missense variant does not alter protein structure/function Observed in an individual with breast cancer (Nikitin 2020) This variant is associated with the following publications: (PMID: 23621914, 32547938)

Quest Diagnostics Nichols Institute San Juan Capistrano
Classification: Uncertain significance. Last evaluated: 2018-10-08. Review status: criteria provided, single submitter. Criteria: Quest Diagnostics criteria. Collection method: clinical testing. Allele origin: germline.

Literature cited by the submitters: PubMed 32547938 (cited by 4 submitters); PubMed 30267214 (cited by Women's Health and Genetics/Laboratory Corporation of America, LabCorp and Ambry Genetics); PubMed 23621914 (cited by Quest Diagnostics Nichols Institute San Juan Capistrano).